The following is an entry in ClinVar:

ClinVar aggregate classification (germline): Uncertain significance (1 of 4 stars; one submission).

Submission:

GeneDx
Classification: Uncertain significance. Last evaluated: 2023-08-04. Review status: criteria provided, single submitter. Criteria: GeneDx Variant Classification Process June 2021. Collection method: clinical testing. Allele origin: germline. Affected: yes.
Comment: Not observed at significant frequency in large population cohorts (gnomAD); In silico analysis supports that this missense variant has a deleterious effect on protein structure/function; Has not been previously published as pathogenic or benign to our knowledge; Variants in candidate genes are classified as variants of uncertain significance in accordance with ACMG guidelines (Richards et al., 2015)

NM_032482.3(DOT1L):c.955C>T (p.Arg319Cys)

Gene: DOT1L (DOT1 like histone lysine methyltransferase; plus strand). Cytogenetic location: 19p13.3.
Variant type: single nucleotide variant.
Coding change: c.955C>T on transcript NM_032482.3 (MANE Select); coding-DNA position 955, C replaced by T.
Protein change: p.Arg319Cys; replaces arginine 319 with cysteine.
Molecular consequence: missense variant.
Genome position (GRCh38, 1-based): chr19:2,207,672, C>T. VCF-style: chr19-2207672-C-T. GRCh37 (hg19) VCF-style: chr19-2207671-C-T.
Other names: c.955C>T, p.Arg319Cys (NM_001411141.1); short protein forms R319C.
Identifiers: ClinVar variation 3361889 (VCV003361889.1).